The following is an entry in ClinVar:

NM_025114.4(CEP290):c.996T>C (p.His332=)

Gene: CEP290 (centrosomal protein 290; minus strand). Cytogenetic location: 12q21.32.
Variant type: single nucleotide variant.
Coding change: c.996T>C on transcript NM_025114.4 (MANE Select); coding-DNA position 996, T replaced by C.
Protein change: p.His332=; no amino-acid change (histidine 332 retained).
Molecular consequence: synonymous variant.
Genome position (GRCh38, 1-based): chr12:88,126,385, A>G on the plus strand (T>C on the coding strand, the complement: CEP290 is on the minus strand). VCF-style: chr12-88126385-A-G. GRCh37 (hg19) VCF-style: chr12-88520162-A-G.
Other names: c.996T>C (NM_025114.3).
Identifiers: ClinVar variation 1154247 (VCV001154247.12), dbSNP rs746022535, ClinGen allele CA6712639.

ClinVar aggregate classification (germline): Likely benign. Review status: criteria provided, multiple submitters, no conflicts (2 of 4 stars). 3 submissions from 3 submitters: Likely benign (2). 1 of the submissions does not count toward it. Last evaluated 2026-08-01.

Conditions:
CEP290-related disorder. Also called: CEP290-related condition; CEP290-related disorders. Identifiers: MedGen CN239314.
Joubert syndrome. Also called: JOUBERT-BOLTSHAUSER SYNDROME; Familial aplasia of the vermis. Identifiers: Orphanet 475, MedGen C5979921, MONDO:0018772.
Meckel-Gruber syndrome. Also called: DYSENCEPHALIA SPLANCHNOCYSTICA; Dysencephalia splachnocystica; GRUBER SYNDROME. Identifiers: Orphanet 564, MedGen C0265215, MONDO:0018921.
Nephronophthisis. Also called: Juvenile Nephronophthisis. Identifiers: Orphanet 655, MedGen C0687120, MONDO:0019005, HP:0000090.

Allele frequency attached by ClinVar (database versions not stated): gnomAD exomes 0.00001 and 0.00002; ExAC 0.00002; TOPMed 0.00002.
gnomAD v4.1: 5 of 1,520,032 alleles (0.00033%); highest among the groups gnomAD compares: Admixed American, 0.011%; no homozygotes.

Submissions (3):

CeGaT Center for Human Genetics Tuebingen
Classification: Likely benign. Last evaluated: 2026-08-01. Review status: criteria provided, single submitter. Criteria: CeGaT Center For Human Genetics Tuebingen Variant Classification Criteria Version 2. Collection method: clinical testing. Allele origin: germline. Affected: yes. Observed: 1 variant allele.
Comment: CEP290: BP4, BP7

Labcorp Genetics (formerly Invitae), Labcorp
Classification: Likely benign for Joubert syndrome; Meckel-Gruber syndrome; Nephronophthisis. Last evaluated: 2025-12-28. Review status: criteria provided, single submitter. Criteria: Invitae Variant Classification Sherloc (09022015). Collection method: clinical testing. Allele origin: germline.

PreventionGenetics, part of Exact Sciences
Classification: Likely benign for CEP290-related condition. Last evaluated: 2023-06-14. Review status: no assertion criteria provided. Collection method: clinical testing. Allele origin: germline. Not counted in ClinVar's aggregate classification.
Comment: This variant is classified as likely benign based on ACMG/AMP sequence variant interpretation guidelines (Richards et al. 2015 PMID: 25741868, with internal and published modifications).